The following is an entry in ClinVar:

ClinVar aggregate classification (germline): Uncertain significance. Review status: criteria provided, multiple submitters, no conflicts (2 of 4 stars). 4 submissions from 4 submitters: Uncertain significance (4). Last evaluated 2025-12-15.

Conditions:
Hereditary cancer-predisposing syndrome. Also called: Neoplastic Syndromes, Hereditary; Hereditary Cancer Syndrome; Tumor predisposition; Hereditary neoplastic syndrome. Identifiers: Orphanet 140162, MedGen C0027672, MeSH D009386, MONDO:0015356.
Renal cell carcinoma. Identifiers: Orphanet 217071, MedGen C0007134, MeSH D002292, MONDO:0005086, HP:0005584.

Submissions (4):

Labcorp Genetics (formerly Invitae), Labcorp
Classification: Uncertain significance for Renal cell carcinoma. Last evaluated: 2025-12-15. Review status: criteria provided, single submitter. Criteria: Invitae Variant Classification Sherloc (09022015). Collection method: clinical testing. Allele origin: germline.
Comment: This variant, c.611_613del, results in the deletion of 1 amino acid(s) of the MET protein (p.Ser204del), but otherwise preserves the integrity of the reading frame. This variant is present in population databases (rs764811491, gnomAD 0.006%). This variant has not been reported in the literature in individuals affected with MET-related conditions. ClinVar contains an entry for this variant (Variation ID: 1513000). Experimental studies and prediction algorithms are not available or were not evaluated, and the functional significance of this variant is currently unknown. In summary, the available evidence is currently insufficient to determine the role of this variant in disease. Therefore, it has been classified as a Variant of Uncertain Significance.

GeneDx
Classification: Uncertain significance. Last evaluated: 2025-09-16. Review status: criteria provided, single submitter. Criteria: GeneDx Variant Classification Process June 2021. Collection method: clinical testing. Allele origin: germline.
Comment: Not observed at significant frequency in large population cohorts (gnomAD); In-frame deletion of 1 amino acid(s) in a non-repeat region; In silico analysis supports a deleterious effect on protein structure/function; Has not been previously published as pathogenic or benign to our knowledge

Ambry Genetics
Classification: Uncertain significance for Hereditary cancer-predisposing syndrome. Last evaluated: 2025-08-29. Review status: criteria provided, single submitter. Criteria: Ambry Variant Classification Scheme 2023. Collection method: clinical testing. Allele origin: germline.
Comment: The c.611_613delCTT variant (also known as p.S204del) is located in coding exon 1 of the MET gene. This variant results from an in-frame CTT deletion at nucleotide positions 611 to 613. This results in the in-frame deletion of a serine residue at codon 204. This amino acid position is well conserved in available vertebrate species. In addition, this alteration is predicted to be deleterious by in silico analysis (Choi Y et al. PLoS ONE. 2012; 7(10):e46688). Based on the available evidence, the clinical significance of this variant remains unclear.

Quest Diagnostics Nichols Institute San Juan Capistrano
Classification: Uncertain significance. Last evaluated: 2025-03-21. Review status: criteria provided, single submitter. Criteria: Quest Diagnostics criteria. Collection method: clinical testing. Allele origin: unknown.

NM_000245.4(MET):c.608CTT[1] (p.Ser204del)

Gene: MET (MET proto-oncogene, receptor tyrosine kinase; plus strand). Cytogenetic location: 7q31.2.
Variant type: Microsatellite.
Coding change: c.608CTT[1] on transcript NM_000245.4 (MANE Select); one copy of the 3-base unit CTT starting at c.608; the reference has two copies in a row; one copy, 3 bases deleted.
Protein change: p.Ser204del; deletes serine 204.
Molecular consequence: inframe deletion. On other transcripts: intron variant (1).
Genome position (GRCh38, 1-based): chr7:116,699,695-116,699,697, CTT deleted; deleting any 3 consecutive bases within chr7:116,699,690-116,699,697 gives the same sequence; the position shown is the placement nearest the transcript's 3' end. VCF-style (leftmost placement, unchanged base first): chr7-116699689-ATTC-A. GRCh37 (hg19) VCF-style: chr7-116339743-ATTC-A.
Other names: c.611_613delCTT (NM_001127500.1); c.611_613del (NM_001127500.2, NM_001127500.1); c.608CTT[1], p.Ser204del (NM_001127500.3, NM_001324401.3); c.-91+27118_-91+27120del (NM_001324402.2); short protein forms S204del.
Identifiers: ClinVar variation 1513000 (VCV001513000.14), dbSNP rs764811491, ClinGen allele CA4448008.